The following is an entry in ClinVar:

NM_033380.3(COL4A5):c.1504C>T (p.Pro502Ser)

Gene: COL4A5 (collagen type IV alpha 5 chain; plus strand). Cytogenetic location: Xq22.3.
Variant type: single nucleotide variant.
Coding change: c.1504C>T on transcript NM_033380.3 (MANE Select); coding-DNA position 1504, C replaced by T.
Protein change: p.Pro502Ser; replaces proline 502 with serine.
Molecular consequence: missense variant.
Genome position (GRCh38, 1-based): chrX:108,595,589, C>T. VCF-style: chrX-108595589-C-T. GRCh37 (hg19) VCF-style: chrX-107838819-C-T.
Other names: c.1504C>T, p.Pro502Ser (NM_000495.5); short protein forms P502S.
Identifiers: ClinVar variation 4705179 (VCV004705179.1).

ClinVar aggregate classification (germline): Uncertain significance (1 of 4 stars; one submission).

gnomAD v4.1: 3 of 1,207,662 alleles (0.00025%); highest among the groups gnomAD compares: Admixed American, 0.0044%; no homozygotes.

Submission:

Labcorp Genetics (formerly Invitae), Labcorp
Classification: Uncertain significance. Last evaluated: 2025-06-04. Review status: criteria provided, single submitter. Criteria: Invitae Variant Classification Sherloc (09022015). Collection method: clinical testing. Allele origin: germline.
Comment: This sequence change replaces proline, which is neutral and non-polar, with serine, which is neutral and polar, at codon 502 of the COL4A5 protein (p.Pro502Ser). This variant is not present in population databases (gnomAD no frequency). This variant has not been reported in the literature in individuals affected with COL4A5-related conditions. Invitae Evidence Modeling of protein sequence and biophysical properties (such as structural, functional, and spatial information, amino acid conservation, physicochemical variation, residue mobility, and thermodynamic stability) indicates that this missense variant is not expected to disrupt COL4A5 protein function with a negative predictive value of 95%. In summary, the available evidence is currently insufficient to determine the role of this variant in disease. Therefore, it has been classified as a Variant of Uncertain Significance.